The following is an entry in ClinVar:

NM_017999.5(RNF31):c.938A>G (p.Asn313Ser)

Gene: RNF31 (ring finger protein 31; plus strand). Cytogenetic location: 14q12.
Variant type: single nucleotide variant.
Coding change: c.938A>G on transcript NM_017999.5 (MANE Select); coding-DNA position 938, A replaced by G.
Protein change: p.Asn313Ser; replaces asparagine 313 with serine.
Molecular consequence: missense variant.
Genome position (GRCh38, 1-based): chr14:24,150,189, A>G. VCF-style: chr14-24150189-A-G. GRCh37 (hg19) VCF-style: chr14-24619398-A-G.
Other names: c.485A>G, p.Asn162Ser (NM_001310332.2); short protein forms N313S, N162S.
Identifiers: ClinVar variation 1492016 (VCV001492016.8), dbSNP rs2139078983, ClinGen allele CA389291480.

ClinVar aggregate classification (germline): Uncertain significance (1 of 4 stars; one submission).

Allele frequency attached by ClinVar (database versions not stated): gnomAD exomes below 0.00001.
gnomAD v4.1: 1 of 1,614,144 alleles (0.000062%); highest among the groups gnomAD compares: Non-Finnish European, 0.000085%; no homozygotes.

Submission:

Labcorp Genetics (formerly Invitae), Labcorp
Classification: Uncertain significance. Last evaluated: 2022-03-23. Review status: criteria provided, single submitter. Criteria: Invitae Variant Classification Sherloc (09022015). Collection method: clinical testing. Allele origin: germline.
Comment: This sequence change replaces asparagine, which is neutral and polar, with serine, which is neutral and polar, at codon 313 of the RNF31 protein (p.Asn313Ser). This variant is not present in population databases (gnomAD no frequency). This variant has not been reported in the literature in individuals affected with RNF31-related conditions. Algorithms developed to predict the effect of missense changes on protein structure and function are either unavailable or do not agree on the potential impact of this missense change (SIFT: "Tolerated"; PolyPhen-2: "Probably Damaging"; Align-GVGD: "Class C0"). Algorithms developed to predict the effect of sequence changes on RNA splicing suggest that this variant may create or strengthen a splice site. In summary, the available evidence is currently insufficient to determine the role of this variant in disease. Therefore, it has been classified as a Variant of Uncertain Significance.